The following is an entry in ClinVar:

ClinVar aggregate classification (germline): Uncertain significance (1 of 4 stars; one submission).

Conditions:
Lysinuric protein intolerance (LPI). Identifiers: Orphanet 470, MedGen C0268647, MONDO:0009109, OMIM 222700.

Submission:

Labcorp Genetics (formerly Invitae), Labcorp
Classification: Uncertain significance for Lysinuric protein intolerance. Last evaluated: 2024-08-08. Review status: criteria provided, single submitter. Criteria: Invitae Variant Classification Sherloc (09022015). Collection method: clinical testing. Allele origin: germline.
Comment: This sequence change replaces tyrosine, which is neutral and polar, with cysteine, which is neutral and slightly polar, at codon 385 of the SLC7A7 protein (p.Tyr385Cys). This variant is not present in population databases (gnomAD no frequency). This variant has not been reported in the literature in individuals affected with SLC7A7-related conditions. An algorithm developed to predict the effect of missense changes on protein structure and function (PolyPhen-2) suggests that this variant is likely to be disruptive. In summary, the available evidence is currently insufficient to determine the role of this variant in disease. Therefore, it has been classified as a Variant of Uncertain Significance.

NM_003982.4(SLC7A7):c.1154A>G (p.Tyr385Cys)

Gene: SLC7A7 (solute carrier family 7 member 7; minus strand). Cytogenetic location: 14q11.2.
Variant type: single nucleotide variant.
Coding change: c.1154A>G on transcript NM_003982.4 (MANE Select); coding-DNA position 1154, A replaced by G.
Protein change: p.Tyr385Cys; replaces tyrosine 385 with cysteine.
Molecular consequence: missense variant.
Genome position (GRCh38, 1-based): chr14:22,774,445, T>C on the plus strand (A>G on the coding strand, the complement: SLC7A7 is on the minus strand). VCF-style: chr14-22774445-T-C. GRCh37 (hg19) VCF-style: chr14-23243654-T-C.
Other names: c.1154A>G, p.Tyr385Cys (NM_001126105.3, NM_001126106.4); short protein forms Y385C.
Identifiers: ClinVar variation 3661828 (VCV003661828.2).